The following is an entry in ClinVar:

ClinVar aggregate classification (germline): Likely benign. Review status: criteria provided, multiple submitters, no conflicts (2 of 4 stars). 2 submissions from 2 submitters: Likely benign (2). Last evaluated 2026-05-12.

Conditions:
Neurofibromatosis, type 1 (NF1). Also called: VON RECKLINGHAUSEN DISEASE; Neurofibromatosis, type I; NEUROFIBROMATOSIS, TYPE I, SOMATIC; Peripheral type neurofibromatosis. Identifiers: Orphanet 636, MedGen C0027831, MONDO:0018975, OMIM 162200. Disease mechanism: loss of function.

Allele frequency attached by ClinVar (database versions not stated): gnomAD 0.00001; gnomAD exomes 0.00001; TOPMed below 0.00001.

Submissions (2):

Myriad Genetics, Inc.
Classification: Likely benign for Neurofibromatosis, type 1. Last evaluated: 2026-05-12. Review status: criteria provided, single submitter. Criteria: Myriad Autosomal Dominant, Autosomal Recessive and X-Linked Classification Criteria (2023). Collection method: clinical testing. Allele origin: unknown.
Comment: This variant is considered likely benign. This variant is intronic and is not expected to impact mRNA splicing.

Labcorp Genetics (formerly Invitae), Labcorp
Classification: Likely benign for Neurofibromatosis, type 1. Last evaluated: 2025-12-08. Review status: criteria provided, single submitter. Criteria: Invitae Variant Classification Sherloc (09022015). Collection method: clinical testing. Allele origin: germline.

NM_001042492.3(NF1):c.2252-16del

Gene: NF1 (neurofibromin 1; plus strand). Cytogenetic location: 17q11.2.
Variant type: Deletion.
Coding change: c.2252-16del on transcript NM_001042492.3 (MANE Select); 16 bases into the intron before coding-DNA position 2252, one base deleted (T; older notation c.2252-16delT).
Molecular consequence: intron variant.
Genome position (GRCh38, 1-based): chr17:31,227,202, T deleted. VCF-style (leftmost placement, unchanged base first): chr17-31227201-CT-C. GRCh37 (hg19) VCF-style: chr17-29554219-CT-C.
Other names: c.2252-16del (NM_000267.4).
Identifiers: ClinVar variation 1590890 (VCV001590890.10), dbSNP rs1199960719, ClinGen allele CA625470138.